The following is an entry in ClinVar:

ClinVar aggregate classification (germline): Conflicting classifications of pathogenicity. Review status: criteria provided, conflicting classifications (1 of 4 stars). 3 submissions from 3 submitters: Pathogenic (1); Uncertain significance (2). Last evaluated 2025-08-20.

Conditions:
Myasthenic syndrome, congenital, 1B, fast-channel. Also called: Fast-Channel Congenital Myasthenia Syndrome. Identifiers: Orphanet 590, MedGen C4225405, MONDO:0012156, OMIM 608930.
Lethal multiple pterygium syndrome (LMPS). Identifiers: Orphanet 33108, MedGen C1854678, MONDO:0009668, OMIM 253290.
Myasthenic syndrome, congenital, 1A, slow-channel. Also called: CMS IIa; MYASTHENIC SYNDROME, CONGENITAL, TYPE IIa; Congenital myasthenic syndrome 1A. Identifiers: MedGen C2931107, MONDO:0011088, OMIM 601462.
Inborn genetic diseases. Identifiers: MedGen C0950123, MeSH D030342.

Allele frequency attached by ClinVar (database versions not stated): ExAC 0.00002; gnomAD exomes 0.00003; TOPMed 0.00002.

Submissions (3):

Ambry Genetics
Classification: Uncertain significance for Inborn genetic diseases. Last evaluated: 2025-08-20. Review status: criteria provided, single submitter. Criteria: Ambry Variant Classification Scheme 2023. Collection method: clinical testing. Allele origin: germline.

Labcorp Genetics (formerly Invitae), Labcorp
Classification: Pathogenic for Lethal multiple pterygium syndrome. Last evaluated: 2025-05-13. Review status: criteria provided, single submitter. Criteria: Invitae Variant Classification Sherloc (09022015). Collection method: clinical testing. Allele origin: germline.
Comment: This sequence change replaces threonine, which is neutral and polar, with asparagine, which is neutral and polar, at codon 312 of the CHRNA1 protein (p.Thr312Asn). This variant is present in population databases (rs746404398, gnomAD 0.02%). This missense change has been observed in individual(s) with clinical features of autosomal dominant congenital myasthenic syndrome (internal data). It has also been observed to segregate with disease in related individuals. ClinVar contains an entry for this variant (Variation ID: 1366831). Invitae Evidence Modeling of protein sequence and biophysical properties (such as structural, functional, and spatial information, amino acid conservation, physicochemical variation, residue mobility, and thermodynamic stability) indicates that this missense variant is not expected to disrupt CHRNA1 protein function with a negative predictive value of 80%. For these reasons, this variant has been classified as Pathogenic.

Fulgent Genetics
Classification: Uncertain significance for Lethal multiple pterygium syndrome; Myasthenic syndrome, congenital, 1A, slow-channel; Myasthenic syndrome, congenital, 1B, fast-channel. Last evaluated: 2022-01-07. Review status: criteria provided, single submitter. Criteria: ACMG Guidelines, 2015. Collection method: clinical testing. Allele origin: unknown.

NM_000079.4(CHRNA1):c.935C>A (p.Thr312Asn)

Gene: CHRNA1 (cholinergic receptor nicotinic alpha 1 subunit; minus strand). Cytogenetic location: 2q31.1.
Variant type: single nucleotide variant.
Coding change: c.935C>A on transcript NM_000079.4 (MANE Select); coding-DNA position 935, C replaced by A.
Protein change: p.Thr312Asn; replaces threonine 312 with asparagine.
Molecular consequence: missense variant.
Genome position (GRCh38, 1-based): chr2:174,750,013, G>T on the plus strand (C>A on the coding strand, the complement: CHRNA1 is on the minus strand). VCF-style: chr2-174750013-G-T. GRCh37 (hg19) VCF-style: chr2-175614741-G-T.
Other names: c.935C>A (NM_000079.3); c.1010C>A, p.Thr337Asn (NM_001039523.3); short protein forms T337N, T312N.
Identifiers: ClinVar variation 1366831 (VCV001366831.9), dbSNP rs746404398, ClinGen allele CA1974423.